The following is an entry in ClinVar:

NM_016333.4(SRRM2):c.7771C>T (p.Arg2591Ter)

Gene: SRRM2 (serine/arginine repetitive matrix 2; plus strand). Cytogenetic location: 16p13.3.
Variant type: single nucleotide variant.
Coding change: c.7771C>T on transcript NM_016333.4 (MANE Select); coding-DNA position 7771, C replaced by T.
Protein change: p.Arg2591Ter; replaces arginine 2591 with a stop codon.
Molecular consequence: nonsense.
Genome position (GRCh38, 1-based): chr16:2,769,034, C>T. VCF-style: chr16-2769034-C-T. GRCh37 (hg19) VCF-style: chr16-2819035-C-T.
Other names: short protein forms R2591*.
Identifiers: ClinVar variation 2498645 (VCV002498645.28), dbSNP rs200668425, ClinGen allele CA394430417.

ClinVar aggregate classification (germline): Likely pathogenic (1 of 4 stars; one submission).

Submission:

CeGaT Center for Human Genetics Tuebingen
Classification: Likely pathogenic. Last evaluated: 2023-02-01. Review status: criteria provided, single submitter. Criteria: CeGaT Center For Human Genetics Tuebingen Variant Classification Criteria Version 2. Collection method: clinical testing. Allele origin: germline. Affected: yes. Observed: 1 variant allele.
Comment: SRRM2: PM2, PS2:Moderate, PVS1:Moderate